The following is an entry in ClinVar:

NM_001370334.1(EYA1):c.-135A>C

Gene: EYA1 (EYA transcriptional coactivator and phosphatase 1; minus strand). Cytogenetic location: 8q13.3.
Variant type: single nucleotide variant.
Coding change: c.-135A>C on transcript NM_001370334.1; 135 bases upstream of the start codon, A replaced by C.
Molecular consequence: 5 prime UTR variant. On other transcripts: synonymous variant (3).
Genome position (GRCh38, 1-based): chr8:71,535,750, T>G on the plus strand (A>C on the coding strand, the complement: EYA1 is on the minus strand). VCF-style: chr8-71535750-T-G. GRCh37 (hg19) VCF-style: chr8-72447985-T-G.
Other names: c.27A>C, p.Gly9= (NM_001370333.1, NM_001370336.1, NM_172059.5); c.-350A>C (NM_001370335.1).
Identifiers: ClinVar variation 2658647 (VCV002658647.22), dbSNP rs1432264672, ClinGen allele CA461414586.
Genomic context (GRCh38, chr8:71,535,750, plus strand): 5'-GATGATTTTAAAAGTAATAATTCTTTCCTTAGGACTGACATTCTGTTTACTTACAGACTG[T>G]CCATTTATCCCCCGGGGGTCTTCCATTGAAGACTTCTTCTGAATTATGTATGGGCTATTA-3'

ClinVar aggregate classification (germline): Likely benign (1 of 4 stars; one submission).

Allele frequency attached by ClinVar (database versions not stated): gnomAD exomes below 0.00001.
gnomAD v4.1: 4 of 1,521,578 alleles (0.00026%); highest among the groups gnomAD compares: African/African-American, 0.0014%; no homozygotes.

Submission:

CeGaT Center for Human Genetics Tuebingen
Classification: Likely benign. Last evaluated: 2023-01-01. Review status: criteria provided, single submitter. Criteria: CeGaT Center For Human Genetics Tuebingen Variant Classification Criteria Version 2. Collection method: clinical testing. Allele origin: germline. Affected: yes. Observed: 1 variant allele.
Comment: EYA1: BP4